The following is an entry in ClinVar:

ClinVar aggregate classification (germline): Conflicting classifications of pathogenicity. Review status: criteria provided, conflicting classifications (1 of 4 stars). 5 submissions from 5 submitters: Uncertain significance (1); Benign (2); Likely benign (2). Last evaluated 2026-02-01.

Conditions:
Myoglobinuria, acute recurrent, autosomal recessive. Also called: MYOGLOBINURIA, FAMILIAL PAROXYSMAL PARALYTIC; RHABDOMYOLYSIS, ACUTE RECURRENT; Myoglobinuria, recurrent, autosomal recessive. Identifiers: Orphanet 99845, MedGen C1849386, MONDO:0009992, OMIM 268200.

Allele frequency attached by ClinVar (database versions not stated): gnomAD exomes 0.00062 and 0.00140; TOPMed 0.00087; gnomAD 0.00092 and 0.00097; ESP Exome Variant Server 0.00108; ExAC 0.00112.
gnomAD v4.1: 1,118 of 1,614,056 alleles (0.069%); highest among the groups gnomAD compares: Admixed American, 0.062%; 11 homozygotes.

Submissions (5):

Labcorp Genetics (formerly Invitae), Labcorp
Classification: Likely benign. Last evaluated: 2026-02-01. Review status: criteria provided, single submitter. Criteria: Invitae Variant Classification Sherloc (09022015). Collection method: clinical testing. Allele origin: germline.

Mayo Clinic Laboratories, Mayo Clinic
Classification: Benign. Last evaluated: 2025-07-08. Review status: criteria provided, single submitter. Criteria: ACMG Guidelines, 2015. Collection method: clinical testing. Allele origin: germline. Observed: 1 variant allele.
Comment: BA1, BP4_moderate

ARUP Laboratories, Molecular Genetics and Genomics, ARUP Laboratories
Classification: Likely benign for Myoglobinuria, acute recurrent, autosomal recessive. Last evaluated: 2023-08-11. Review status: criteria provided, single submitter. Criteria: ARUP Molecular Germline Variant Investigation Process 2024. Collection method: clinical testing. Allele origin: germline.

GeneDx
Classification: Benign. Last evaluated: 2019-12-17. Review status: criteria provided, single submitter. Criteria: GeneDx Variant Classification Process June 2021. Collection method: clinical testing. Allele origin: germline. Affected: yes.

Illumina Laboratory Services, Illumina
Classification: Uncertain significance for Myoglobinuria, acute recurrent, autosomal recessive. Last evaluated: 2018-01-13. Review status: criteria provided, single submitter. Criteria: ICSL Variant Classification Criteria 13 December 2019. Collection method: clinical testing. Allele origin: germline.

NM_001349206.2(LPIN1):c.1225C>G (p.Gln409Glu)

Gene: LPIN1 (lipin 1; plus strand). Cytogenetic location: 2p25.1.
Variant type: single nucleotide variant.
Coding change: c.1225C>G on transcript NM_001349206.2 (MANE Select); coding-DNA position 1225, C replaced by G.
Protein change: p.Gln409Glu; replaces glutamine 409 with glutamic acid.
Molecular consequence: missense variant. On other transcripts: non-coding transcript variant (1).
Genome position (GRCh38, 1-based): chr2:11,782,468, C>G. VCF-style: chr2-11782468-C-G. GRCh37 (hg19) VCF-style: chr2-11922594-C-G.
Other names: p.Gln373Glu; c.1135C>G, p.Gln379Glu (NM_001261427.3); c.1372C>G, p.Gln458Glu (NM_001261428.3); c.1117C>G, p.Gln373Glu (NM_001349199.2, NM_001349200.2, NM_001349201.2 and 1 more transcripts); c.1222C>G, p.Gln408Glu (NM_001349202.2, NM_001349203.2); c.1225C>G, p.Gln409Glu (NM_001349204.2, NM_001349205.2); c.1315C>G, p.Gln439Glu (NM_001349207.2); c.1264C>G, p.Gln422Glu (NM_001349208.2); short protein forms Q373E, Q379E, Q408E, Q409E, Q422E, Q439E, Q458E.
Identifiers: ClinVar variation 330914 (VCV000330914.16), dbSNP rs146529487, ClinGen allele CA1533633.